The following is an entry in ClinVar:

ClinVar aggregate classification (germline): Likely benign (1 of 4 stars; one submission).

Allele frequency attached by ClinVar (database versions not stated): 1000 Genomes Project 0.00120; 1000 Genomes Project 30x 0.00125; TOPMed 0.00215; ExAC 0.00229; ESP Exome Variant Server 0.00231; gnomAD 0.00258.
gnomAD v4.1: 4,774 of 1,613,986 alleles (0.3%); highest among the groups gnomAD compares: Non-Finnish European, 0.36%; 9 homozygotes.

Submission:

CeGaT Center for Human Genetics Tuebingen
Classification: Likely benign. Last evaluated: 2022-04-01. Review status: criteria provided, single submitter. Criteria: CeGaT Center For Human Genetics Tuebingen Variant Classification Criteria Version 2. Collection method: clinical testing. Allele origin: germline. Affected: yes. Observed: 1 variant allele.
Comment: APBB3: BP4, BP7

NM_133173.3(APBB3):c.1026C>T (p.Pro342=)

Gene: APBB3 (amyloid beta precursor protein binding family B member 3; minus strand). Cytogenetic location: 5q31.3.
Variant type: single nucleotide variant.
Coding change: c.1026C>T on transcript NM_133173.3 (MANE Select); coding-DNA position 1026, C replaced by T.
Protein change: p.Pro342=; no amino-acid change (proline 342 retained).
Molecular consequence: synonymous variant.
Genome position (GRCh38, 1-based): chr5:140,560,645, G>A on the plus strand (C>T on the coding strand, the complement: APBB3 is on the minus strand). VCF-style: chr5-140560645-G-A. GRCh37 (hg19) VCF-style: chr5-139940230-G-A.
Other names: c.1041C>T, p.Pro347= (NM_133172.3); c.1020C>T, p.Pro340= (NM_133174.3); c.1047C>T, p.Pro349= (NM_006051.4).
Identifiers: ClinVar variation 2655739 (VCV002655739.24), dbSNP rs114266519, ClinGen allele CA3440986.